The following is an entry in ClinVar:

NM_006267.5(RANBP2):c.9022T>C (p.Ser3008Pro)

Gene: RANBP2 (RAN binding protein 2; plus strand). Cytogenetic location: 2q13.
Variant type: single nucleotide variant.
Coding change: c.9022T>C on transcript NM_006267.5 (MANE Select); coding-DNA position 9022, T replaced by C.
Protein change: p.Ser3008Pro; replaces serine 3008 with proline.
Molecular consequence: missense variant.
Genome position (GRCh38, 1-based): chr2:108,782,389, T>C. VCF-style: chr2-108782389-T-C. GRCh37 (hg19) VCF-style: chr2-109398845-T-C.
Other names: short protein forms S3008P.
Identifiers: ClinVar variation 1307731 (VCV001307731.2), dbSNP rs2149332140, ClinGen allele CA348084990.
Genomic context (GRCh38, chr2:108,782,389, plus strand): 5'-ACTAAAACAATGGAATTAAAGCCCTTAAATGTTTCAAATAATGCTTTAGTTTGGACTGCC[T>C]CAGATTATGCTGGTGAGTTTTTACATTCAAATGCTACTTTTCATTTTTTGGACTTTTCTA-3'
Protein context (NP_006258.3, residues 2998-3018): VSNNALVWTA[Ser3008Pro]DYADGEAKVE

ClinVar aggregate classification (germline): Uncertain significance (1 of 4 stars; one submission).

Submission:

GeneDx
Classification: Uncertain significance. Last evaluated: 2019-08-07. Review status: criteria provided, single submitter. Criteria: GeneDx Variant Classification Process June 2021. Collection method: clinical testing. Allele origin: germline. Affected: yes.
Comment: Not observed in large population cohorts (Lek et al., 2016); In silico analysis, which includes protein predictors and evolutionary conservation, supports that this variant does not alter protein structure/function; Has not been previously published as pathogenic or benign to our knowledge